The following is an entry in ClinVar:

ClinVar aggregate classification (germline): Uncertain significance (1 of 4 stars; one submission).

Conditions:
Leigh syndrome (NULS). Also called: Leigh's necrotizing encephalopathy; Leigh's disease; Leigh Syndrome (mtDNA deletion); Leigh Disease; Subacute necrotizing encephalopathy; Necrotizing encephalopathy infantile subacute of Leigh. Identifiers: Orphanet 506, MedGen C2931891, MONDO:0009723, OMIM 256000.

Submission:

Wong Mito Lab, Molecular and Human Genetics, Baylor College of Medicine
Classification: Uncertain significance for Leigh syndrome. Last evaluated: 2019-10-17. Review status: criteria provided, single submitter. Criteria: Modified ACMG Guidelines (Unpublished). Collection method: clinical testing. Allele origin: germline.
Comment: The NC_012920.1:m.6048G>A (YP_003024028.1:p.Gly49Ser) variant in MTCO1 gene is interpretated to be a Uncertain Significance variant based on the modified ACMG guidelines (unpublished). This variant meets the following evidence codes: PP4, PP6

NC_012920.1(MT-CO1):m.6048G>A

Gene: MT-CO1 (mitochondrially encoded cytochrome c oxidase I; plus strand).
Variant type: single nucleotide variant.
Genome position: chrM-6048-G-A.
Identifiers: ClinVar variation 692610 (VCV000692610.1), dbSNP rs1603220242, ClinGen allele CA414781374.